The following is an entry in ClinVar:

NM_024642.5(GALNT12):c.1323C>T (p.Asp441=)

Gene: GALNT12 (polypeptide N-acetylgalactosaminyltransferase 12; plus strand). Cytogenetic location: 9q22.33.
Variant type: single nucleotide variant.
Coding change: c.1323C>T on transcript NM_024642.5 (MANE Select); coding-DNA position 1323, C replaced by T.
Protein change: p.Asp441=; no amino-acid change (aspartic acid 441 retained).
Molecular consequence: synonymous variant.
Genome position (GRCh38, 1-based): chr9:98,840,112, C>T. VCF-style: chr9-98840112-C-T. GRCh37 (hg19) VCF-style: chr9-101602394-C-T.
Identifiers: ClinVar variation 2447033 (VCV002447033.3), dbSNP rs774649561, ClinGen allele CA5154231.

ClinVar aggregate classification (germline): Benign/Likely benign. Review status: criteria provided, multiple submitters, no conflicts (2 of 4 stars). 2 submissions from 2 submitters: Benign (1); Likely benign (1). Last evaluated 2026-04-27.

Conditions:
Colorectal cancer, susceptibility to, 1. Also called: COLORECTAL ADENOMA AND CANCER, SUSCEPTIBILITY TO; COLORECTAL CANCER, SUSCEPTIBILITY TO, ON CHROMOSOME 9. Identifiers: MedGen C1837315, MONDO:0012132, OMIM 608812.

Allele frequency attached by ClinVar (database versions not stated): gnomAD exomes below 0.00001; ExAC 0.00001.
gnomAD v4.1: 2 of 1,613,936 alleles (0.00012%); highest among the groups gnomAD compares: Non-Finnish European, 0.00017%; no homozygotes.

Submissions (2):

Myriad Genetics, Inc.
Classification: Benign for Colorectal cancer, susceptibility to, 1. Last evaluated: 2026-04-27. Review status: criteria provided, single submitter. Criteria: Myriad Autosomal Dominant, Autosomal Recessive and X-Linked Classification Criteria (2023). Collection method: clinical testing. Allele origin: unknown.
Comment: This variant is considered benign. This variant is a silent/synonymous amino acid change and it is not expected to impact splicing.

Ambry Genetics
Classification: Likely benign. Last evaluated: 2023-02-08. Review status: criteria provided, single submitter. Criteria: Ambry Variant Classification Scheme 2023. Collection method: clinical testing. Allele origin: germline.